The following is an entry in ClinVar:

ClinVar aggregate classification (germline): Uncertain significance (1 of 4 stars; one submission).

Conditions:
Inborn genetic diseases. Identifiers: MedGen C0950123, MeSH D030342.

Submission:

Ambry Genetics
Classification: Uncertain significance for Inborn genetic diseases. Last evaluated: 2025-04-04. Review status: criteria provided, single submitter. Criteria: Ambry Variant Classification Scheme 2023. Collection method: clinical testing. Allele origin: germline.
Comment: The p.E727A variant (also known as c.2180A>C), located in coding exon 13 of the ASXL1 gene, results from an A to C substitution at nucleotide position 2180. The glutamic acid at codon 727 is replaced by alanine, an amino acid with dissimilar properties. This amino acid position is conserved. In addition, this alteration is predicted to be tolerated by in silico analysis. Based on the available evidence, the clinical significance of this variant remains unclear.

NM_015338.6(ASXL1):c.2180A>C (p.Glu727Ala)

Gene: ASXL1 (ASXL transcriptional regulator 1; plus strand). Cytogenetic location: 20q11.21.
Variant type: single nucleotide variant.
Coding change: c.2180A>C on transcript NM_015338.6 (MANE Select); coding-DNA position 2180, A replaced by C.
Protein change: p.Glu727Ala; replaces glutamic acid 727 with alanine.
Molecular consequence: missense variant.
Genome position (GRCh38, 1-based): chr20:32,434,892, A>C. VCF-style: chr20-32434892-A-C. GRCh37 (hg19) VCF-style: chr20-31022695-A-C.
Other names: c.1997A>C, p.Glu666Ala (NM_001363734.1); short protein forms E666A, E727A.
Identifiers: ClinVar variation 3955743 (VCV003955743.1).
Genomic context (GRCh38, chr20:32,434,892, plus strand): 5'-CCCAGGCCGGAACTGCCATGTCCAGAGCTAGGAGAGAGGACCTGCCTTCTCTGAGAAAGG[A>C]GGAAAGCTGCCTACTACAGAGGGCTACAGTTGGACTCACAGATGGGCTAGGAGATGCCTC-3'
Protein context (NP_056153.2, residues 717-737): RREDLPSLRK[Glu727Ala]ESCLLQRATV